The following is an entry in ClinVar:

ClinVar aggregate classification (germline): Uncertain significance (1 of 4 stars; one submission).

Conditions:
Primary ciliary dyskinesia 33. Also called: CILIARY DYSKINESIA, PRIMARY, 33, WITHOUT SITUS INVERSUS. Identifiers: Orphanet 244, MedGen C4225230, MONDO:0014750, OMIM 616726.

Allele frequency attached by ClinVar (database versions not stated): gnomAD exomes below 0.00001; gnomAD 0.00001; TOPMed 0.00002.
gnomAD v4.1: 8 of 1,614,058 alleles (0.0005%); highest among the groups gnomAD compares: African/African-American, 0.0013%; no homozygotes.

Submission:

Labcorp Genetics (formerly Invitae), Labcorp
Classification: Uncertain significance for Primary ciliary dyskinesia 33. Last evaluated: 2022-01-11. Review status: criteria provided, single submitter. Criteria: Invitae Variant Classification Sherloc (09022015). Collection method: clinical testing. Allele origin: germline.
Comment: This sequence change replaces lysine, which is basic and polar, with arginine, which is basic and polar, at codon 6 of the GAS8 protein (p.Lys6Arg). This variant is present in population databases (no rsID available, gnomAD 0.004%). This variant has not been reported in the literature in individuals affected with GAS8-related conditions. Algorithms developed to predict the effect of missense changes on protein structure and function output the following: SIFT: "Tolerated"; PolyPhen-2: "Benign"; Align-GVGD: "Class C0". The arginine amino acid residue is found in multiple mammalian species, which suggests that this missense change does not adversely affect protein function. In summary, the available evidence is currently insufficient to determine the role of this variant in disease. Therefore, it has been classified as a Variant of Uncertain Significance.

NM_001481.3(DRC4):c.17A>G (p.Lys6Arg)

Gene: DRC4 (dynein regulatory complex subunit 4; plus strand). Cytogenetic location: 16q24.3.
Variant type: single nucleotide variant.
Coding change: c.17A>G on transcript NM_001481.3 (MANE Select); coding-DNA position 17, A replaced by G.
Protein change: p.Lys6Arg; replaces lysine 6 with arginine.
Molecular consequence: missense variant. On other transcripts: 5 prime UTR variant (3).
Genome position (GRCh38, 1-based): chr16:90,027,649, A>G. VCF-style: chr16-90027649-A-G. GRCh37 (hg19) VCF-style: chr16-90094057-A-G.
Other names: c.-356A>G (NM_001286205.2); c.-628A>G (NM_001286208.2); c.-59A>G (NM_001286209.2); short protein forms K6R.
Identifiers: ClinVar variation 2039566 (VCV002039566.4), dbSNP rs1464709275, ClinGen allele CA397458333.